The following is an entry in ClinVar:

ClinVar aggregate classification (germline): Uncertain significance. Review status: criteria provided, multiple submitters, no conflicts (2 of 4 stars). 2 submissions from 2 submitters: Uncertain significance (2). Last evaluated 2025-03-31.

Allele frequency attached by ClinVar (database versions not stated): TOPMed below 0.00001; gnomAD exomes 0.00001.

Submissions (2):

Labcorp Genetics (formerly Invitae), Labcorp
Classification: Uncertain significance. Last evaluated: 2025-03-31. Review status: criteria provided, single submitter. Criteria: Invitae Variant Classification Sherloc (09022015). Collection method: clinical testing. Allele origin: germline.
Comment: This sequence change replaces glycine, which is neutral and non-polar, with serine, which is neutral and polar, at codon 334 of the BGN protein (p.Gly334Ser). This variant is not present in population databases (gnomAD no frequency). This variant has not been reported in the literature in individuals affected with BGN-related conditions. ClinVar contains an entry for this variant (Variation ID: 1013084). Invitae Evidence Modeling of protein sequence and biophysical properties (such as structural, functional, and spatial information, amino acid conservation, physicochemical variation, residue mobility, and thermodynamic stability) indicates that this missense variant is not expected to disrupt BGN protein function with a negative predictive value of 80%. In summary, the available evidence is currently insufficient to determine the role of this variant in disease. Therefore, it has been classified as a Variant of Uncertain Significance.

CeGaT Center for Human Genetics Tuebingen
Classification: Uncertain significance. Last evaluated: 2021-01-01. Review status: criteria provided, single submitter. Criteria: CeGaT Center For Human Genetics Tuebingen Variant Classification Criteria Version 2. Collection method: clinical testing. Allele origin: germline. Affected: yes. Observed: 1 variant allele.

NM_001711.6(BGN):c.1000G>A (p.Gly334Ser)

Gene: BGN (biglycan; plus strand). Cytogenetic location: Xq28.
Variant type: single nucleotide variant.
Coding change: c.1000G>A on transcript NM_001711.6 (MANE Select); coding-DNA position 1000, G replaced by A.
Protein change: p.Gly334Ser; replaces glycine 334 with serine.
Molecular consequence: missense variant.
Genome position (GRCh38, 1-based): chrX:153,508,338, G>A. VCF-style: chrX-153508338-G-A. GRCh37 (hg19) VCF-style: chrX-152773796-G-A.
Other names: short protein forms G334S.
Identifiers: ClinVar variation 1013084 (VCV001013084.42), dbSNP rs1209725855, ClinGen allele CA415071821.